The following is an entry in ClinVar:

ClinVar aggregate classification (germline): Uncertain significance (1 of 4 stars; one submission).

Submission:

Labcorp Genetics (formerly Invitae), Labcorp
Classification: Uncertain significance. Last evaluated: 2020-09-11. Review status: criteria provided, single submitter. Criteria: Invitae Variant Classification Sherloc (09022015). Collection method: clinical testing. Allele origin: germline.
Comment: In summary, the available evidence is currently insufficient to determine the role of this variant in disease. Therefore, it has been classified as a Variant of Uncertain Significance. Algorithms developed to predict the effect of missense changes on protein structure and function output the following: SIFT: "Tolerated"; PolyPhen-2: "Benign"; Align-GVGD: "Class C0". The leucine amino acid residue is found in multiple mammalian species, suggesting that this missense change does not adversely affect protein function. These predictions have not been confirmed by published functional studies and their clinical significance is uncertain. This variant has not been reported in the literature in individuals with VCAN-related conditions. This variant is not present in population databases (ExAC no frequency). This sequence change replaces phenylalanine with leucine at codon 1570 of the VCAN protein (p.Phe1570Leu). The phenylalanine residue is moderately conserved and there is a small physicochemical difference between phenylalanine and leucine.

NM_004385.5(VCAN):c.4708T>C (p.Phe1570Leu)

Genes: VCAN (versican; plus strand), VCAN-AS1 (VCAN antisense RNA 1; minus strand). Cytogenetic location: 5q14.3.
Variant type: single nucleotide variant.
Coding change: c.4708T>C on transcript NM_004385.5 (MANE Select); coding-DNA position 4708, T replaced by C.
Protein change: p.Phe1570Leu; replaces phenylalanine 1570 with leucine.
Molecular consequence: missense variant. On other transcripts: intron variant (2).
Genome position (GRCh38, 1-based): chr5:83,537,711, T>C. VCF-style: chr5-83537711-T-C. GRCh37 (hg19) VCF-style: chr5-82833530-T-C.
Other names: c.1747T>C, p.Phe583Leu (NM_001164097.2); c.4004-7826T>C (NM_001164098.2); c.1043-7826T>C (NM_001126336.3); short protein forms F1570L, F583L.
Identifiers: ClinVar variation 1059661 (VCV001059661.9), dbSNP rs2112440679, ClinGen allele CA360308839.
Genomic context (GRCh38, chr5:83,537,711, plus strand): 5'-GAGATTGCCATTGACCAAGAATCTCAGAAAATAGCCTTTGCAAGGGCTACAGAAGTAACA[T>C]TTGGTGAAGAGGTAGAAAAAAGTACTTCTGTCACATACACTCCCACTATAGTTCCAAGTT-3'
Protein context (NP_004376.2, residues 1560-1580): IAFARATEVT[Phe1570Leu]GEEVEKSTSV